The following is an entry in ClinVar:

ClinVar aggregate classification (germline): Uncertain significance (1 of 4 stars; one submission).

Conditions:
Long QT syndrome (LQTS). Identifiers: MedGen C0023976, MeSH D008133, MONDO:0002442. Disease mechanism: loss of function. Inheritance: Various modes of inheritance.

gnomAD v4.1: 12 of 1,613,932 alleles (0.00074%); highest among the groups gnomAD compares: Non-Finnish European, 0.001%; no homozygotes.

Submission:

Labcorp Genetics (formerly Invitae), Labcorp
Classification: Uncertain significance for Long QT syndrome. Last evaluated: 2020-02-17. Review status: criteria provided, single submitter. Criteria: Invitae Variant Classification Sherloc (09022015). Collection method: clinical testing. Allele origin: germline.
Comment: This sequence change replaces serine with alanine at codon 1848 of the ANK2 protein (p.Ser1848Ala). The serine residue is weakly conserved and there is a moderate physicochemical difference between serine and alanine. This variant is not present in population databases (ExAC no frequency). This variant has not been reported in the literature in individuals with ANK2-related conditions. Algorithms developed to predict the effect of missense changes on protein structure and function (SIFT, PolyPhen-2, Align-GVGD) all suggest that this variant is likely to be tolerated, but these predictions have not been confirmed by published functional studies and their clinical significance is uncertain. In summary, the available evidence is currently insufficient to determine the role of this variant in disease. Therefore, it has been classified as a Variant of Uncertain Significance.

NM_001148.6(ANK2):c.5542T>G (p.Ser1848Ala)

Genes: ANK2 (ankyrin 2; plus strand), LOC126807136 (MED14-independent group 3 enhancer GRCh37_chr4:114274931-114276130; plus strand). Cytogenetic location: 4q26.
Variant type: single nucleotide variant.
Coding change: c.5542T>G on transcript NM_001148.6 (MANE Select); coding-DNA position 5542, T replaced by G.
Protein change: p.Ser1848Ala; replaces serine 1848 with alanine.
Molecular consequence: missense variant. On other transcripts: intron variant (68).
Genome position (GRCh38, 1-based): chr4:113,354,160, T>G. VCF-style: chr4-113354160-T-G. GRCh37 (hg19) VCF-style: chr4-114275316-T-G.
Other names: c.5308T>G, p.Ser1770Ala (NM_001386142.1); c.1942T>G, p.Ser648Ala (NM_001386166.1); c.5683T>G, p.Ser1895Ala (NM_001386174.1); c.5659T>G, p.Ser1887Ala (NM_001386175.1); c.4411+3911T>G (NM_001386186.2, NM_001386148.2); c.4213+3911T>G (NM_001354269.3); c.4291+3911T>G (NM_001386187.2); c.4252+3911T>G (NM_001386147.1); and 35 more; short protein forms S1848A, S1770A, S1887A, S1895A, S648A.
Identifiers: ClinVar variation 943640 (VCV000943640.7), dbSNP rs2095590693, ClinGen allele CA357920111.